The following is an entry in ClinVar:

NM_001854.4(COL11A1):c.1112A>G (p.Asp371Gly)

Gene: COL11A1 (collagen type XI alpha 1 chain; minus strand). Cytogenetic location: 1p21.1.
Variant type: single nucleotide variant.
Coding change: c.1112A>G on transcript NM_001854.4 (MANE Select); coding-DNA position 1112, A replaced by G.
Protein change: p.Asp371Gly; replaces aspartic acid 371 with glycine.
Molecular consequence: missense variant. On other transcripts: non-coding transcript variant (1), intron variant (1).
Genome position (GRCh38, 1-based): chr1:103,022,875, T>C on the plus strand (A>G on the coding strand, the complement: COL11A1 is on the minus strand). VCF-style: chr1-103022875-T-C. GRCh37 (hg19) VCF-style: chr1-103488431-T-C.
Other names: c.995A>G, p.Asp332Gly (NM_001190709.2); c.1148A>G, p.Asp383Gly (NM_080629.3); c.898-1106A>G (NM_080630.4); short protein forms D332G, D371G, D383G.
Identifiers: ClinVar variation 2091308 (VCV002091308.4), dbSNP rs1667212685, ClinGen allele CA341154711.
Genomic context (GRCh38, chr1:103,022,875, plus strand): 5'-TCTTCATATTCTTTATATTCATAAAAATCATATTCGCCTAAATCTCCATCTACCAGAAGA[T>C]CAGAATCCCTGCCGTCTATTTCTTTGTTTTCATATAGTGTATCCTCAGAATTTTTCCTCT-3'
Protein context (NP_001845.3, residues 361-381): ENKEIDGRDS[Asp371Gly]LLVDGDLGEY

ClinVar aggregate classification (germline): Uncertain significance (1 of 4 stars; one submission).

Allele frequency attached by ClinVar (database versions not stated): gnomAD exomes below 0.00001.
gnomAD v4.1: 1 of 1,613,980 alleles (0.000062%); highest among the groups gnomAD compares: Non-Finnish European, 0.000085%; no homozygotes.

Submission:

Labcorp Genetics (formerly Invitae), Labcorp
Classification: Uncertain significance. Last evaluated: 2023-01-06. Review status: criteria provided, single submitter. Criteria: Invitae Variant Classification Sherloc (09022015). Collection method: clinical testing. Allele origin: germline.
Comment: In summary, the available evidence is currently insufficient to determine the role of this variant in disease. Therefore, it has been classified as a Variant of Uncertain Significance. Advanced modeling of protein sequence and biophysical properties (such as structural, functional, and spatial information, amino acid conservation, physicochemical variation, residue mobility, and thermodynamic stability) performed at Invitae indicates that this missense variant is not expected to disrupt COL11A1 protein function. This variant has not been reported in the literature in individuals affected with COL11A1-related conditions. This variant is not present in population databases (gnomAD no frequency). This sequence change replaces aspartic acid, which is acidic and polar, with glycine, which is neutral and non-polar, at codon 371 of the COL11A1 protein (p.Asp371Gly).